The following is an entry in ClinVar:

NM_001037131.3(AGAP1):c.2425G>T (p.Ala809Ser)

Gene: AGAP1 (ArfGAP with GTPase domain, ankyrin repeat and PH domain 1; plus strand). Cytogenetic location: 2q37.2.
Variant type: single nucleotide variant.
Coding change: c.2425G>T on transcript NM_001037131.3 (MANE Select); coding-DNA position 2425, G replaced by T.
Protein change: p.Ala809Ser; replaces alanine 809 with serine.
Molecular consequence: missense variant.
Genome position (GRCh38, 1-based): chr2:236,123,973, G>T. VCF-style: chr2-236123973-G-T. GRCh37 (hg19) VCF-style: chr2-237032617-G-T.
Other names: c.3220G>T, p.Ala1074Ser (NM_001436125.1); c.3061G>T, p.Ala1021Ser (NM_001436126.1); c.2266G>T, p.Ala756Ser (NM_014914.5); short protein forms A1074S, A756S, A809S, A1021S.
Identifiers: ClinVar variation 4248976 (VCV004248976.2).

ClinVar aggregate classification (germline): Uncertain significance. Review status: criteria provided, multiple submitters, no conflicts (2 of 4 stars). 2 submissions from 2 submitters: Uncertain significance (2). Last evaluated 2025-08-06.

gnomAD v4.1: 22 of 1,613,894 alleles (0.0014%); highest among the groups gnomAD compares: African/African-American, 0.021%; no homozygotes.

Submissions (2):

Ambry Genetics
Classification: Uncertain significance. Last evaluated: 2025-08-06. Review status: criteria provided, single submitter. Criteria: Ambry Variant Classification Scheme 2023. Collection method: clinical testing. Allele origin: germline.

Labcorp Genetics (formerly Invitae), Labcorp
Classification: Uncertain significance. Last evaluated: 2025-05-30. Review status: criteria provided, single submitter. Criteria: Invitae Variant Classification Sherloc (09022015). Collection method: clinical testing. Allele origin: germline.
Comment: This sequence change replaces alanine, which is neutral and non-polar, with serine, which is neutral and polar, at codon 756 of the AGAP1 protein (p.Ala756Ser). This variant is present in population databases (rs537880762, gnomAD 0.008%). This variant has not been reported in the literature in individuals affected with AGAP1-related conditions. An algorithm developed to predict the effect of missense changes on protein structure and function (PolyPhen-2) suggests that this variant is likely to be disruptive. In summary, the available evidence is currently insufficient to determine the role of this variant in disease. Therefore, it has been classified as a Variant of Uncertain Significance.